The following is an entry in ClinVar:

ClinVar aggregate classification (germline): Uncertain significance (1 of 4 stars; one submission).

Allele frequency attached by ClinVar (database versions not stated): gnomAD exomes below 0.00001 and 0.00001; ExAC 0.00002.

Submission:

Labcorp Genetics (formerly Invitae), Labcorp
Classification: Uncertain significance. Last evaluated: 2021-10-31. Review status: criteria provided, single submitter. Criteria: Invitae Variant Classification Sherloc (09022015). Collection method: clinical testing. Allele origin: germline.
Comment: In summary, the available evidence is currently insufficient to determine the role of this variant in disease. Therefore, it has been classified as a Variant of Uncertain Significance. Algorithms developed to predict the effect of missense changes on protein structure and function (SIFT, PolyPhen-2, Align-GVGD) all suggest that this variant is likely to be disruptive. This variant has not been reported in the literature in individuals affected with KIF20A-related conditions. This sequence change replaces proline, which is neutral and non-polar, with alanine, which is neutral and non-polar, at codon 848 of the KIF20A protein (p.Pro848Ala). This variant is present in population databases (rs780541632, gnomAD 0.002%).

NM_005733.3(KIF20A):c.2542C>G (p.Pro848Ala)

Gene: KIF20A (kinesin family member 20A; plus strand). Cytogenetic location: 5q31.2.
Variant type: single nucleotide variant.
Coding change: c.2542C>G on transcript NM_005733.3 (MANE Select); coding-DNA position 2542, C replaced by G.
Protein change: p.Pro848Ala; replaces proline 848 with alanine.
Molecular consequence: missense variant.
Genome position (GRCh38, 1-based): chr5:138,187,282, C>G. VCF-style: chr5-138187282-C-G. GRCh37 (hg19) VCF-style: chr5-137522971-C-G.
Other names: short protein forms P848A.
Identifiers: ClinVar variation 1390388 (VCV001390388.6), dbSNP rs780541632, ClinGen allele CA3426934.